The following is an entry in ClinVar:

ClinVar aggregate classification (germline): Pathogenic (1 of 4 stars; one submission).

Submission:

Labcorp Genetics (formerly Invitae), Labcorp
Classification: Pathogenic. Last evaluated: 2023-05-15. Review status: criteria provided, single submitter. Criteria: Invitae Variant Classification Sherloc (09022015). Collection method: clinical testing. Allele origin: germline.
Comment: For these reasons, this variant has been classified as Pathogenic. This variant has not been reported in the literature in individuals affected with FLNB-related conditions. This variant is not present in population databases (gnomAD no frequency). This sequence change creates a premature translational stop signal (p.Lys877*) in the FLNB gene. It is expected to result in an absent or disrupted protein product. Loss-of-function variants in FLNB are known to be pathogenic (PMID: 14991055).

Literature cited by the submitters: PubMed 14991055.

NM_001457.4(FLNB):c.2629A>T (p.Lys877Ter)

Gene: FLNB (filamin B; plus strand). Cytogenetic location: 3p14.3.
Variant type: single nucleotide variant.
Coding change: c.2629A>T on transcript NM_001457.4 (MANE Select); coding-DNA position 2629, A replaced by T.
Protein change: p.Lys877Ter; replaces lysine 877 with a stop codon.
Molecular consequence: nonsense.
Genome position (GRCh38, 1-based): chr3:58,112,202, A>T. VCF-style: chr3-58112202-A-T. GRCh37 (hg19) VCF-style: chr3-58097929-A-T.
Other names: c.2629A>T, p.Lys877Ter (NM_001164317.2, NM_001164318.2, NM_001164319.2); short protein forms K877*.
Identifiers: ClinVar variation 2864494 (VCV002864494.3), dbSNP rs2471093119, ClinGen allele CA353345849.